The following is an entry in ClinVar:

ClinVar aggregate classification (germline): Pathogenic. Review status: criteria provided, multiple submitters, no conflicts (2 of 4 stars). 3 submissions from 3 submitters: Pathogenic (3). Last evaluated 2025-12-22.

Conditions:
Niemann-Pick disease, type A. Also called: SPHINGOMYELIN LIPIDOSIS; SPHINGOMYELINASE DEFICIENCY; Infantile Neurovisceral ASMD (Niemann-Pick Disease Type A; NPD-A). Identifiers: Orphanet 77292, MedGen C0268242, MONDO:0009756, OMIM 257200. Disease mechanism: loss of function.
Niemann-Pick disease, type B. Also called: Chronic Visceral ASMD (Niemann-Pick Disease Type B; NPD-B). Identifiers: Orphanet 77293, MedGen C0268243, MONDO:0011871, OMIM 607616. Disease mechanism: loss of function.

Submissions (3):

Women's Health and Genetics/Laboratory Corporation of America, LabCorp
Classification: Pathogenic for Niemann-Pick disease, type B. Last evaluated: 2025-12-22. Review status: criteria provided, single submitter. Criteria: LabCorp Variant Classification Summary - May 2015. Collection method: clinical testing. Allele origin: germline.
Comment: Variant summary: SMPD1 c.1565A>G (p.Asn522Ser) results in a conservative amino acid change in the encoded protein sequence. Algorithms developed to predict the effect of missense changes on protein structure and function are either unavailable or do not agree on the potential impact of this missense change. The frequency data for this variant in gnomAD is considered unreliable, as metrics indicate poor data quality at this position. c.1565A>G has been observed in multiple individuals affected with Niemann-Pick Disease Type B (example: Desnick_2010, Hu_2021, Hua_2012). These data indicate that the variant is very likely to be associated with disease. At least one publication reports experimental evidence evaluating an impact on protein function. The most pronounced variant effect results in 10%-20% of normal activity (Desnick_2010,Hua_2012). The following publications have been ascertained in the context of this evaluation (PMID: 33675270, 22613662, 20386867). ClinVar contains an entry for this variant (Variation ID: 2679033). Based on the evidence outlined above, the variant was classified as pathogenic.

Labcorp Genetics (formerly Invitae), Labcorp
Classification: Pathogenic for Niemann-Pick disease, type B; Niemann-Pick disease, type A. Last evaluated: 2025-12-06. Review status: criteria provided, single submitter. Criteria: Invitae Variant Classification Sherloc (09022015). Collection method: clinical testing. Allele origin: germline.
Comment: This sequence change replaces asparagine, which is neutral and polar, with serine, which is neutral and polar, at codon 522 of the SMPD1 protein (p.Asn522Ser). This variant is not present in population databases (gnomAD no frequency). This missense change has been observed in individuals with Niemann-Pick disease type B (PMID: 20386867, 23356216, 33675270). ClinVar contains an entry for this variant (Variation ID: 2679033). Invitae Evidence Modeling of protein sequence and biophysical properties (such as structural, functional, and spatial information, amino acid conservation, physicochemical variation, residue mobility, and thermodynamic stability) has been performed for this missense variant. However, the output from this modeling did not meet the statistical confidence thresholds required to predict the impact of this variant on SMPD1 protein function. Experimental studies have shown that this missense change affects SMPD1 function (PMID: 20386867, 22613662). For these reasons, this variant has been classified as Pathogenic.

Baylor Genetics
Classification: Pathogenic for Niemann-Pick disease, type A. Last evaluated: 2023-09-11. Review status: criteria provided, single submitter. Criteria: ACMG Guidelines, 2015. Collection method: clinical testing. Allele origin: unknown.

Literature cited by the submitters: PubMed 20386867 (cited by Women's Health and Genetics/Laboratory Corporation of America, LabCorp and Labcorp Genetics (formerly Invitae), Labcorp); PubMed 33675270 (cited by Women's Health and Genetics/Laboratory Corporation of America, LabCorp and Labcorp Genetics (formerly Invitae), Labcorp); PubMed 22613662 (cited by Women's Health and Genetics/Laboratory Corporation of America, LabCorp and Labcorp Genetics (formerly Invitae), Labcorp); PubMed 23356216 (cited by Labcorp Genetics (formerly Invitae), Labcorp).

NM_000543.5(SMPD1):c.1565A>G (p.Asn522Ser)

Gene: SMPD1 (sphingomyelin phosphodiesterase 1; plus strand). Cytogenetic location: 11p15.4.
Variant type: single nucleotide variant.
Coding change: c.1565A>G on transcript NM_000543.5 (MANE Select); coding-DNA position 1565, A replaced by G.
Protein change: p.Asn522Ser; replaces asparagine 522 with serine.
Molecular consequence: missense variant. On other transcripts: 3 prime UTR variant (1), non-coding transcript variant (2).
Genome position (GRCh38, 1-based): chr11:6,394,276, A>G. VCF-style: chr11-6394276-A-G. GRCh37 (hg19) VCF-style: chr11-6415506-A-G.
Other names: c.1562A>G, p.Asn521Ser (NM_001007593.3); c.1433A>G, p.Asn478Ser (NM_001365135.2); c.*58A>G (NM_001318087.2); c.644A>G, p.Asn215Ser (NM_001318088.2); short protein forms N215S, N478S, N521S, N522S.
Identifiers: ClinVar variation 2679033 (VCV002679033.3), dbSNP rs2493822373, ClinGen allele CA379376272.